The following is an entry in ClinVar:

NM_032620.4(GTPBP3):c.974+1G>C

Gene: GTPBP3 (GTP binding protein 3, mitochondrial; plus strand). Cytogenetic location: 19p13.11.
Variant type: single nucleotide variant.
Coding change: c.974+1G>C on transcript NM_032620.4 (MANE Select); the canonical splice donor site of the intron after coding-DNA position 974, G replaced by C.
Molecular consequence: splice donor variant.
Genome position (GRCh38, 1-based): chr19:17,339,600, G>C. VCF-style: chr19-17339600-G-C. GRCh37 (hg19) VCF-style: chr19-17450409-G-C.
Other names: c.1040+1G>C (NM_001195422.1); c.1070+1G>C (NM_133644.4); c.974+1G>C (NM_001128855.3).
Identifiers: ClinVar variation 4810170 (VCV004810170.1).

ClinVar aggregate classification (germline): Likely pathogenic (1 of 4 stars; one submission).

Submission:

Labcorp Genetics (formerly Invitae), Labcorp
Classification: Likely pathogenic. Last evaluated: 2025-12-15. Review status: criteria provided, single submitter. Criteria: Invitae Variant Classification Sherloc (09022015). Collection method: clinical testing. Allele origin: germline.
Comment: This sequence change affects a donor splice site in intron 6 of the GTPBP3 gene. It is expected to disrupt RNA splicing. Variants that disrupt the donor or acceptor splice site typically lead to a loss of protein function (PMID: 16199547), and loss-of-function variants in GTPBP3 are known to be pathogenic (PMID: 25434004). This variant is not present in population databases (gnomAD no frequency). This variant has not been reported in the literature in individuals affected with GTPBP3-related conditions. Algorithms developed to predict the effect of sequence changes on RNA splicing suggest that this variant may disrupt the consensus splice site. In summary, the currently available evidence indicates that the variant is pathogenic, but additional data are needed to prove that conclusively. Therefore, this variant has been classified as Likely Pathogenic.

Literature cited by the submitters: PubMed 16199547; PubMed 25434004.